The following is an entry in ClinVar:

NM_001852.4(COL9A2):c.124G>A (p.Gly42Arg)

Genes: COL9A2 (collagen type IX alpha 2 chain; minus strand), LOC129930261 (ATAC-STARR-seq lymphoblastoid silent region 724; plus strand). Cytogenetic location: 1p34.2.
Variant type: single nucleotide variant.
Coding change: c.124G>A on transcript NM_001852.4 (MANE Select); coding-DNA position 124, G replaced by A.
Protein change: p.Gly42Arg; replaces glycine 42 with arginine.
Molecular consequence: missense variant.
Genome position (GRCh38, 1-based): chr1:40,315,616, C>T on the plus strand (G>A on the coding strand, the complement: COL9A2 is on the minus strand). VCF-style: chr1-40315616-C-T. GRCh37 (hg19) VCF-style: chr1-40781288-C-T.
Other names: short protein forms G42R.
Identifiers: ClinVar variation 1204660 (VCV001204660.17), dbSNP rs754348378, ClinGen allele CA792103.

ClinVar aggregate classification (germline): Uncertain significance. Review status: criteria provided, multiple submitters, no conflicts (2 of 4 stars). 4 submissions from 4 submitters: Uncertain significance (4). Last evaluated 2026-10-19.

Conditions:
Inborn genetic diseases. Identifiers: MedGen C0950123, MeSH D030342.

Allele frequency attached by ClinVar (database versions not stated): ExAC 0.00006; gnomAD 0.00003; gnomAD exomes 0.00002; TOPMed 0.00002.

Submissions (4):

GeneDx
Classification: Uncertain significance. Last evaluated: 2026-10-19. Review status: criteria provided, single submitter. Criteria: GeneDx Variant Classification Process June 2021. Collection method: clinical testing. Allele origin: germline.
Comment: Has not been previously published as pathogenic or benign to our knowledge; In silico analysis supports that this missense variant has a deleterious effect on protein structure/function

Labcorp Genetics (formerly Invitae), Labcorp
Classification: Uncertain significance. Last evaluated: 2025-06-05. Review status: criteria provided, single submitter. Criteria: Invitae Variant Classification Sherloc (09022015). Collection method: clinical testing. Allele origin: germline.
Comment: This sequence change replaces glycine, which is neutral and non-polar, with arginine, which is basic and polar, at codon 42 of the COL9A2 protein (p.Gly42Arg). The frequency data for this variant in the population databases is considered unreliable, as metrics indicate poor data quality at this position in the gnomAD database. This variant has not been reported in the literature in individuals affected with COL9A2-related conditions. ClinVar contains an entry for this variant (Variation ID: 1204660). Experimental studies and prediction algorithms are not available or were not evaluated, and the functional significance of this variant is currently unknown. In summary, the available evidence is currently insufficient to determine the role of this variant in disease. Therefore, it has been classified as a Variant of Uncertain Significance.

Blueprint Genetics
Classification: Uncertain significance. Last evaluated: 2024-11-15. Review status: criteria provided, single submitter. Criteria: ACMG Guidelines, 2015. Collection method: clinical testing. Allele origin: germline.

Ambry Genetics
Classification: Uncertain significance for Inborn genetic diseases. Last evaluated: 2023-08-21. Review status: criteria provided, single submitter. Criteria: Ambry Variant Classification Scheme 2023. Collection method: clinical testing. Allele origin: germline.